The following is an entry in ClinVar:

ClinVar aggregate classification (germline): Conflicting classifications of pathogenicity. Review status: criteria provided, conflicting classifications (1 of 4 stars). 5 submissions from 5 submitters: Uncertain significance (4); Likely benign (1). Last evaluated 2025-12-08.

Conditions:
Aicardi-Goutieres syndrome 7 (AGS7). Identifiers: Orphanet 51, MedGen C3888244, MONDO:0014367, OMIM 615846.
Singleton-Merten syndrome 1 (SGMRT1). Also called: Widened medullary cavities of bone, aortic calcification, abnormal dentition, and muscular weakness; Syndrome of widened medullary cavities of the metacarpals and phalanges, aortic calcification and abnormal dentition. Identifiers: Orphanet 85191, MedGen C4225427, MONDO:0024535, OMIM 182250.

Allele frequency attached by ClinVar (database versions not stated): gnomAD exomes 0.00007; ExAC 0.00008; ESP Exome Variant Server 0.00008; TOPMed 0.00008; gnomAD 0.00009.
gnomAD v4.1: 112 of 1,612,992 alleles (0.0069%); highest among the groups gnomAD compares: Non-Finnish European, 0.0093%; no homozygotes.

Submissions (5):

Labcorp Genetics (formerly Invitae), Labcorp
Classification: Likely benign for Aicardi-Goutieres syndrome 7; Singleton-Merten syndrome 1. Last evaluated: 2025-12-08. Review status: criteria provided, single submitter. Criteria: Invitae Variant Classification Sherloc (09022015). Collection method: clinical testing. Allele origin: germline.

Mayo Clinic Laboratories, Mayo Clinic
Classification: Uncertain significance. Last evaluated: 2025-10-21. Review status: criteria provided, single submitter. Criteria: ACMG Guidelines, 2015. Collection method: clinical testing. Allele origin: germline. Observed: 1 variant allele.
Comment: BP4_moderate

Blueprint Genetics
Classification: Uncertain significance. Last evaluated: 2024-10-02. Review status: criteria provided, single submitter. Criteria: ACMG Guidelines, 2015. Collection method: clinical testing. Allele origin: germline.

Centre of Medical Genetics, University Hospital Muenster
Classification: Uncertain significance. Last evaluated: 2021-12-15. Review status: criteria provided, single submitter. Criteria: ACMG Guidelines, 2015. Collection method: clinical testing. Allele origin: unknown. Affected: yes. Observed: 1 variant allele, 1 heterozygote.
Comment: ACMG categories: PM1,PM2

Centre for Mendelian Genomics, University Medical Centre Ljubljana
Classification: Uncertain significance for Singleton-Merten syndrome 1. Last evaluated: 2019-03-20. Review status: criteria provided, single submitter. Criteria: ACMG Guidelines, 2015. Collection method: clinical testing. Allele origin: unknown. Affected: yes.
Comment: This variant was classified as: Uncertain significance. The available evidence on this variant's pathogenicity is insufficient or conflicting. The following ACMG criteria were applied in classifying this variant: BP4.

Literature cited by the submitters: PubMed 25620204 (cited by Centre of Medical Genetics, University Hospital Muenster); PubMed 28475458 (cited by Centre of Medical Genetics, University Hospital Muenster).

NM_022168.4(IFIH1):c.527A>G (p.Asn176Ser)

Gene: IFIH1 (interferon induced with helicase C domain 1; minus strand). Cytogenetic location: 2q24.2.
Variant type: single nucleotide variant.
Coding change: c.527A>G on transcript NM_022168.4 (MANE Select); coding-DNA position 527, A replaced by G.
Protein change: p.Asn176Ser; replaces asparagine 176 with serine.
Molecular consequence: missense variant.
Genome position (GRCh38, 1-based): chr2:162,310,860, T>C on the plus strand (A>G on the coding strand, the complement: IFIH1 is on the minus strand). VCF-style: chr2-162310860-T-C. GRCh37 (hg19) VCF-style: chr2-163167370-T-C.
Other names: p.Asn176Ser; short protein forms N176S.
Identifiers: ClinVar variation 930880 (VCV000930880.16), dbSNP rs374205118, ClinGen allele CA1934787.